The following is an entry in ClinVar:

ClinVar aggregate classification (germline): Uncertain significance (1 of 4 stars; one submission).

Conditions:
Muscular dystrophy-dystroglycanopathy (congenital with brain and eye anomalies), type a, 8 (MDDGA8). Also called: WALKER-WARBURG SYNDROME OR MUSCLE-EYE-BRAIN DISEASE, GTDC2-RELATED. Identifiers: Orphanet 899, MedGen C3553813, MONDO:0013904, OMIM 614830.

Allele frequency attached by ClinVar (database versions not stated): gnomAD exomes below 0.00001.
gnomAD v4.1: 2 of 1,614,208 alleles (0.00012%); highest among the groups gnomAD compares: Non-Finnish European, 0.00017%; no homozygotes.

Submission:

Labcorp Genetics (formerly Invitae), Labcorp
Classification: Uncertain significance for Muscular dystrophy-dystroglycanopathy (congenital with brain and eye anomalies), type a, 8. Last evaluated: 2022-06-05. Review status: criteria provided, single submitter. Criteria: Invitae Variant Classification Sherloc (09022015). Collection method: clinical testing. Allele origin: germline.
Comment: In summary, the available evidence is currently insufficient to determine the role of this variant in disease. Therefore, it has been classified as a Variant of Uncertain Significance. Algorithms developed to predict the effect of missense changes on protein structure and function (SIFT, PolyPhen-2, Align-GVGD) all suggest that this variant is likely to be tolerated. This variant has not been reported in the literature in individuals affected with POMGNT2-related conditions. This variant is not present in population databases (gnomAD no frequency). This sequence change replaces isoleucine, which is neutral and non-polar, with methionine, which is neutral and non-polar, at codon 239 of the POMGNT2 protein (p.Ile239Met).

NM_032806.6(POMGNT2):c.717C>G (p.Ile239Met)

Gene: POMGNT2 (protein O-linked mannose N-acetylglucosaminyltransferase 2 (beta 1,4-); minus strand). Cytogenetic location: 3p22.1.
Variant type: single nucleotide variant.
Coding change: c.717C>G on transcript NM_032806.6 (MANE Select); coding-DNA position 717, C replaced by G.
Protein change: p.Ile239Met; replaces isoleucine 239 with methionine.
Molecular consequence: missense variant.
Genome position (GRCh38, 1-based): chr3:43,080,715, G>C on the plus strand (C>G on the coding strand, the complement: POMGNT2 is on the minus strand). VCF-style: chr3-43080715-G-C. GRCh37 (hg19) VCF-style: chr3-43122207-G-C.
Other names: short protein forms I239M.
Identifiers: ClinVar variation 2047770 (VCV002047770.4), dbSNP rs2528898204, ClinGen allele CA352302663.